The following is an entry in ClinVar:

ClinVar aggregate classification (germline): Uncertain significance (1 of 4 stars; one submission).

gnomAD v4.1: 5 of 1,613,602 alleles (0.00031%); highest among the groups gnomAD compares: Admixed American, 0.0083%; no homozygotes.

Submission:

Ambry Genetics
Classification: Uncertain significance. Last evaluated: 2024-11-18. Review status: criteria provided, single submitter. Criteria: Ambry Variant Classification Scheme 2023. Collection method: clinical testing. Allele origin: germline.
Comment: The p.K852R variant (also known as c.2555A>G), located in coding exon 6 of the CDK12 gene, results from an A to G substitution at nucleotide position 2555. The lysine at codon 852 is replaced by arginine, an amino acid with highly similar properties. This amino acid position is conserved. In addition, this alteration is predicted to be tolerated by in silico analysis. Based on the available evidence, the clinical significance of this variant remains unclear.

NM_016507.4(CDK12):c.2555A>G (p.Lys852Arg)

Gene: CDK12 (cyclin dependent kinase 12; plus strand). Cytogenetic location: 17q12.
Variant type: single nucleotide variant.
Coding change: c.2555A>G on transcript NM_016507.4 (MANE Select); coding-DNA position 2555, A replaced by G.
Protein change: p.Lys852Arg; replaces lysine 852 with arginine.
Molecular consequence: missense variant.
Genome position (GRCh38, 1-based): chr17:39,501,385, A>G. VCF-style: chr17-39501385-A-G. GRCh37 (hg19) VCF-style: chr17-37657638-A-G.
Other names: c.2555A>G, p.Lys852Arg (NM_015083.4); short protein forms K852R.
Identifiers: ClinVar variation 3489194 (VCV003489194.1).